The following is an entry in ClinVar:

ClinVar aggregate classification (germline): Pathogenic/Likely pathogenic. Review status: criteria provided, multiple submitters, no conflicts (2 of 4 stars). 3 submissions from 3 submitters: Pathogenic (1); Likely pathogenic (2). Last evaluated 2025-11-17.

Conditions:
QARS-related disorders.
Diffuse cerebral and cerebellar atrophy - intractable seizures - progressive microcephaly syndrome. Also called: Microcephaly, progressive, with seizures and cerebral and cerebellar atrophy. Identifiers: Orphanet 404437, MedGen C4014239, MONDO:0014335, OMIM 615760.

Allele frequency attached by ClinVar (database versions not stated): TOPMed below 0.00001; ExAC 0.00001; gnomAD 0.00001; gnomAD exomes 0.00001.
gnomAD v4.1: 5 of 1,614,006 alleles (0.00031%); highest among the groups gnomAD compares: Admixed American, 0.005%; no homozygotes.

Submissions (3):

Labcorp Genetics (formerly Invitae), Labcorp
Classification: Pathogenic for Diffuse cerebral and cerebellar atrophy - intractable seizures - progressive microcephaly syndrome. Last evaluated: 2025-11-17. Review status: criteria provided, single submitter. Criteria: Invitae Variant Classification Sherloc (09022015). Collection method: clinical testing. Allele origin: germline.
Comment: This sequence change creates a premature translational stop signal (p.Trp159*) in the QARS gene. It is expected to result in an absent or disrupted protein product. Loss-of-function variants in QARS are known to be pathogenic (PMID: 24656866, 25471517). This variant is present in population databases (rs776344968, gnomAD 0.006%). This variant has not been reported in the literature in individuals affected with QARS-related conditions. ClinVar contains an entry for this variant (Variation ID: 984949). For these reasons, this variant has been classified as Pathogenic.

Blueprint Genetics
Classification: Likely pathogenic for QARS-related disorders. Last evaluated: 2022-12-21. Review status: criteria provided, single submitter. Criteria: ACMG Guidelines, 2015. Collection method: clinical testing. Allele origin: germline. Affected: yes. Observed: 3 variant alleles.

Rady Children's Institute for Genomic Medicine, Rady Children's Hospital San Diego
Classification: Likely pathogenic for MICROCEPHALY, PROGRESSIVE, WITH SEIZURES AND CEREBRAL AND CEREBELLAR ATROPHY. Review status: criteria provided, single submitter. Criteria: ACMG Guidelines, 2015. Collection method: clinical testing. Allele origin: germline. Affected: yes.
Comment: This nonsense variant found in exon 5 of 24 is predicted to result in loss of normal protein function. This variant has not been previously reported or functionally characterized in the literature to our knowledge. It is present in the heterozygous state in the gnomAD population database at a frequency of 0.0012% (3/251416) and thus is presumed to be rare. Based on the available evidence, the c.477G>A (p.Trp159Ter) variant is classified as Likely Pathogenic.

Literature cited by the submitters: PubMed 24656866 (cited by Labcorp Genetics (formerly Invitae), Labcorp); PubMed 25471517 (cited by Labcorp Genetics (formerly Invitae), Labcorp).

NM_005051.3(QARS1):c.477G>A (p.Trp159Ter)

Gene: QARS1 (glutaminyl-tRNA synthetase 1; minus strand). Cytogenetic location: 3p21.31.
Variant type: single nucleotide variant.
Coding change: c.477G>A on transcript NM_005051.3 (MANE Select); coding-DNA position 477, G replaced by A.
Protein change: p.Trp159Ter; replaces tryptophan 159 with a stop codon.
Molecular consequence: nonsense. On other transcripts: non-coding transcript variant (1).
Genome position (GRCh38, 1-based): chr3:49,103,384, C>T on the plus strand (G>A on the coding strand, the complement: QARS1 is on the minus strand). VCF-style: chr3-49103384-C-T. GRCh37 (hg19) VCF-style: chr3-49140817-C-T.
Other names: c.444G>A, p.Trp148Ter (NM_001272073.2); short protein forms W148*, W159*.
Identifiers: ClinVar variation 984949 (VCV000984949.9), dbSNP rs776344968, ClinGen allele CA2392144.